The following is an entry in ClinVar:

NM_002907.4(RECQL):c.933A>T (p.Arg311Ser)

Gene: RECQL (RecQ like helicase; minus strand). Cytogenetic location: 12p12.1.
Variant type: single nucleotide variant.
Coding change: c.933A>T on transcript NM_002907.4 (MANE Select); coding-DNA position 933, A replaced by T.
Protein change: p.Arg311Ser; replaces arginine 311 with serine.
Molecular consequence: missense variant.
Genome position (GRCh38, 1-based): chr12:21,476,927, T>A on the plus strand (A>T on the coding strand, the complement: RECQL is on the minus strand). VCF-style: chr12-21476927-T-A. GRCh37 (hg19) VCF-style: chr12-21629861-T-A.
Other names: c.933A>T, p.Arg311Ser (NM_032941.3); short protein forms R311S.
Identifiers: ClinVar variation 584811 (VCV000584811.4), dbSNP rs1565565568, ClinGen allele CA384122893.

ClinVar aggregate classification (germline): Uncertain significance. Review status: criteria provided, multiple submitters, no conflicts (2 of 4 stars). 2 submissions from 2 submitters: Uncertain significance (2). Last evaluated 2022-06-07.

Conditions:
Hereditary cancer-predisposing syndrome. Also called: Tumor predisposition; Neoplastic Syndromes, Hereditary; Hereditary neoplastic syndrome; Hereditary Cancer Syndrome. Identifiers: Orphanet 140162, MedGen C0027672, MeSH D009386, MONDO:0015356.

Submissions (2):

Ambry Genetics
Classification: Uncertain significance. Last evaluated: 2022-06-07. Review status: criteria provided, single submitter. Criteria: Ambry Variant Classification Scheme 2023. Collection method: clinical testing. Allele origin: germline.
Comment: The p.R311S variant (also known as c.933A>T), located in coding exon 7 of the RECQL gene, results from an A to T substitution at nucleotide position 933. The arginine at codon 311 is replaced by serine, an amino acid with dissimilar properties. This amino acid position is conserved. In addition, the in silico prediction for this alteration is inconclusive. Since supporting evidence is limited at this time, the clinical significance of this alteration remains unclear.

Mendelics
Classification: Uncertain significance for Hereditary cancer-predisposing syndrome. Last evaluated: 2018-07-02. Review status: criteria provided, single submitter. Criteria: Mendelics Assertion Criteria 2017. Collection method: clinical testing. Allele origin: unknown.